The following is an entry in ClinVar:

ClinVar aggregate classification (germline): Pathogenic (1 of 4 stars; one submission).

Submission:

GeneDx
Classification: Pathogenic. Last evaluated: 2018-02-02. Review status: criteria provided, single submitter. Criteria: GeneDx Variant Classification (06012015). Collection method: clinical testing. Allele origin: germline. Affected: yes.
Comment: The c.17delG variant in the NCSTN gene has not been reported previously as a pathogenic variant nor as a benign variant, to our knowledge. The c.17delG variant causes a frameshift starting with codon Glycine 6, changes this amino acid to a Valine residue, and creates a premature Stop codon at position 22 of the new reading frame, denoted p.Gly6ValfsX22. This variant is predicted to cause loss of normal protein function either through protein truncation or nonsense-mediated mRNA decay. The c.17delG variant is not observed in large population cohorts (Lek et al., 2016). We interpret c.17delG as a pathogenic variant.

NM_015331.3(NCSTN):c.17del (p.Gly6fs)

Gene: NCSTN (nicastrin; plus strand). Cytogenetic location: 1q23.2.
Variant type: Deletion.
Coding change: c.17del on transcript NM_015331.3 (MANE Select); coding-DNA position 17, one base deleted (G; older notation c.17delG).
Protein change: p.Gly6fs; shifts the reading frame from glycine 6.
Molecular consequence: frameshift variant. On other transcripts: 5 prime UTR variant (1).
Genome position (GRCh38, 1-based): chr1:160,343,413, G deleted; the last of 5 consecutive G bases (chr1:160,343,409-160,343,413); deleting any one gives the same sequence. VCF-style (leftmost placement, unchanged base first): chr1-160343408-AG-A. GRCh37 (hg19) VCF-style: chr1-160313198-AG-A.
Other names: c.-183del (NM_001290184.2); c.17del, p.Gly6fs (NM_001290186.2, NM_001349729.2); short protein forms G6fs.
Identifiers: ClinVar variation 504025 (VCV000504025.2), dbSNP rs1266104510, ClinGen allele CA421363058.